The following is an entry in ClinVar:

NM_023110.3(FGFR1):c.2124A>C (p.Glu708Asp)

Gene: FGFR1 (fibroblast growth factor receptor 1; minus strand). Cytogenetic location: 8p11.23.
Variant type: single nucleotide variant.
Coding change: c.2124A>C on transcript NM_023110.3 (MANE Select); coding-DNA position 2124, A replaced by C.
Protein change: p.Glu708Asp; replaces glutamic acid 708 with aspartic acid.
Molecular consequence: missense variant.
Genome position (GRCh38, 1-based): chr8:38,414,214, T>G on the plus strand (A>C on the coding strand, the complement: FGFR1 is on the minus strand). VCF-style: chr8-38414214-T-G. GRCh37 (hg19) VCF-style: chr8-38271732-T-G.
Other names: c.2118A>C, p.Glu706Asp (NM_001174063.2, NM_001174065.2, NM_001354367.2 and 1 more transcripts); c.2094A>C, p.Glu698Asp (NM_001174064.2); c.1857A>C, p.Glu619Asp (NM_001174066.2, NM_023105.3); c.2217A>C, p.Glu739Asp (NM_001174067.2); c.1845A>C, p.Glu615Asp (NM_001354368.2); c.2112A>C, p.Glu704Asp (NM_001354369.2, NM_001410922.1); c.1851A>C, p.Glu617Asp (NM_001354370.2, NM_023106.3); short protein forms E615D, E617D, E619D, E698D, E704D, E706D, E708D, E739D.
Identifiers: ClinVar variation 3365854 (VCV003365854.1).

ClinVar aggregate classification (germline): Uncertain significance (1 of 4 stars; one submission).

gnomAD v4.1: 1 of 1,614,124 alleles (0.000062%); highest among the groups gnomAD compares: Non-Finnish European, 0.000085%; no homozygotes.

Submission:

GeneDx
Classification: Uncertain significance. Last evaluated: 2023-12-21. Review status: criteria provided, single submitter. Criteria: GeneDx Variant Classification Process June 2021. Collection method: clinical testing. Allele origin: germline. Affected: yes.
Comment: Not observed at significant frequency in large population cohorts (gnomAD); In silico analysis supports that this missense variant has a deleterious effect on protein structure/function; Has not been previously published as pathogenic or benign to our knowledge